The following is an entry in ClinVar:

NM_000059.4(BRCA2):c.631+183T>A

Gene: BRCA2 (BRCA2 DNA repair associated; plus strand). Cytogenetic location: 13q13.1.
Variant type: single nucleotide variant.
Coding change: c.631+183T>A on transcript NM_000059.4 (MANE Select); 183 bases into the intron after coding-DNA position 631, T replaced by A.
Molecular consequence: intron variant.
Genome position (GRCh38, 1-based): chr13:32,326,796, T>A. VCF-style: chr13-32326796-T-A. GRCh37 (hg19) VCF-style: chr13-32900933-T-A.
Other names: IVS 7+183T>A.
Identifiers: ClinVar variation 209652 (VCV000209652.6), dbSNP rs3752451, ClinGen allele CA276621.

ClinVar aggregate classification (germline): Benign. Review status: reviewed by expert panel (3 of 4 stars). 7 submissions from 7 submitters: Benign (1). 6 of the submissions do not count toward it. Last evaluated 2015-01-12.
ClinVar aggregate classification (somatic clinical impact): Tier IV - Benign/Likely benign (0 of 4 stars; one submission).

Conditions:
Breast-ovarian cancer, familial, susceptibility to, 2 (BROVCA2). Also called: BRCA2 Hereditary Breast and Ovarian Cancer. Identifiers: Orphanet 145, MedGen C2675520, MONDO:0012933, OMIM 612555. Disease mechanism: loss of function.
Familial cancer of breast. Also called: BREAST CANCER, FAMILIAL; Hereditary breast cancer; hereditary breast carcinoma. Identifiers: Orphanet 227535, MedGen C0346153, MONDO:0016419, OMIM 114480. Disease mechanism: loss of function.

Allele frequency attached by ClinVar (database versions not stated): 1000 Genomes Project 0.34824; gnomAD 0.32939 and 0.33471; TOPMed 0.32503; 1000 Genomes Project 30x 0.34151.
gnomAD v4.1: 50,653 of 151,724 alleles (33%); highest among the groups gnomAD compares: East Asian, 50%; 8,620 homozygotes.

Submissions (8):

Evidence-based Network for the Interpretation of Germline Mutant Alleles (ENIGMA)
Classification: Benign for Breast-ovarian cancer, familial 2. Last evaluated: 2015-01-12. Review status: reviewed by expert panel. Criteria: ENIGMA BRCA1/2 Classification Criteria (2015). Collection method: curation. Allele origin: germline.
Comment: Class 1 not pathogenic based on frequency >1% in an outbred sampleset. Frequency 0.4895 (Asian), 0.1992 (African), 0.3298 (European), derived from 1000 genomes (2012-04-30).

GeneDx
Classification: Benign. Last evaluated: 2018-06-23. Review status: criteria provided, single submitter. Criteria: GeneDx Variant Classification Process June 2021. Collection method: clinical testing. Allele origin: germline. Affected: yes. Not counted in ClinVar's aggregate classification.

GeneKor MSA
Classification: Benign. Last evaluated: 2017-11-01. Review status: criteria provided, single submitter. Criteria: ACMG Guidelines, 2015. Collection method: clinical testing. Allele origin: germline. Affected: yes. Not counted in ClinVar's aggregate classification.

Genome Diagnostics Laboratory, University Medical Center Utrecht
Classification: Benign for Breast-ovarian cancer, familial, susceptibility to, 2. Last evaluated: 2014-10-09. Review status: criteria provided, single submitter. Criteria: ACGS Guidelines, 2013. Collection method: clinical testing. Allele origin: germline. Affected: yes. Study: VKGL Data-share Consensus. Not counted in ClinVar's aggregate classification.

Breakthrough Genomics
Classification: Benign. Review status: criteria provided, single submitter. Criteria: ACMG Guidelines, 2015. Collection method: not provided. Allele origin: germline. Inheritance: Autosomal recessive inheritance. Affected: yes. Not counted in ClinVar's aggregate classification.

Department of Pathology and Laboratory Medicine, Sinai Health System
Classification: Benign. Review status: criteria provided, single submitter. Criteria: ACMG Guidelines, 2015. Collection method: clinical testing. Allele origin: germline. Affected: yes. Study: The Canadian Open Genetics Repository (COGR). Not counted in ClinVar's aggregate classification.

Clinical Genetics Laboratory, Department of Pathology, Netherlands Cancer Institute
Classification: Benign. Review status: no assertion criteria provided. Collection method: clinical testing. Allele origin: germline. Affected: yes. Study: VKGL Data-share Consensus. Not counted in ClinVar's aggregate classification.

Faculté Pluridciplinaire Nador, Université Mohamed Premier
Classification: Tier IV - Benign/Likely benign for Familial cancer of breast. Review status: no assertion criteria provided. Collection method: research. Allele origin: somatic. Affected: yes.
Comment: The following databases and algorithms are used to annotate and evaluate the impact of the variant in the context of human disease: 1000 genomes, gnomAD, ClinVar, OMIM, dbSNP, NCIB RefSeq Genes, ExAC Gene Constraints, VS-SIFT, VS-PolyPhen2, PhyloP, GERP++, GeneSplicer, MaxEntScan, NNSplice, PWM Splice Predictor.